The following is an entry in ClinVar:

ClinVar aggregate classification (germline): Likely benign (1 of 4 stars; one submission).

Allele frequency attached by ClinVar (database versions not stated): ExAC 0.00005; TOPMed 0.00005; gnomAD exomes 0.00006; gnomAD 0.00009; 1000 Genomes Project 30x 0.00016; 1000 Genomes Project 0.00020.
gnomAD v4.1: 96 of 1,613,434 alleles (0.006%); highest among the groups gnomAD compares: South Asian, 0.012%; no homozygotes.

Submission:

CeGaT Center for Human Genetics Tuebingen
Classification: Likely benign. Last evaluated: 2022-10-01. Review status: criteria provided, single submitter. Criteria: CeGaT Center For Human Genetics Tuebingen Variant Classification Criteria Version 2. Collection method: clinical testing. Allele origin: germline. Affected: yes. Observed: 1 variant allele.
Comment: BRF1: BP4, BP7

NM_001519.4(BRF1):c.1332C>T (p.Asp444=)

Gene: BRF1 (BRF1 general transcription factor IIIB subunit; minus strand). Cytogenetic location: 14q32.33.
Variant type: single nucleotide variant.
Coding change: c.1332C>T on transcript NM_001519.4 (MANE Select); coding-DNA position 1332, C replaced by T.
Protein change: p.Asp444=; no amino-acid change (aspartic acid 444 retained).
Molecular consequence: synonymous variant.
Genome position (GRCh38, 1-based): chr14:105,220,114, G>A on the plus strand (C>T on the coding strand, the complement: BRF1 is on the minus strand). VCF-style: chr14-105220114-G-A. GRCh37 (hg19) VCF-style: chr14-105686451-G-A.
Other names: c.987C>T, p.Asp329= (NM_001242786.2, NM_001242787.2); c.1251C>T, p.Asp417= (NM_001242788.2); c.618C>T, p.Asp206= (NM_001242789.2); c.720C>T, p.Asp240= (NM_145685.3).
Identifiers: ClinVar variation 2644906 (VCV002644906.24), dbSNP rs587610347, ClinGen allele CA7387215.